The following is an entry in ClinVar:

ClinVar aggregate classification (germline): Pathogenic. Review status: reviewed by expert panel (3 of 4 stars). 4 submissions from 4 submitters: Pathogenic (1). 3 of the submissions do not count toward it. Last evaluated 2026-09-16.

Conditions:
Nonsyndromic genetic hearing loss. Also called: Nonsyndromic hearing loss and deafness; Nonsyndromic genetic deafness; Non-syndromic genetic deafness. Identifiers: Orphanet 87884, MedGen C5680182, MONDO:0019497.
Autosomal dominant nonsyndromic hearing loss 9. Identifiers: Orphanet 90635, MedGen C1832425, MONDO:0011058, OMIM 601369.

Allele frequency attached by ClinVar (database versions not stated): TOPMed 0.00002.

Submissions (4):

ClinGen Hearing Loss Variant Curation Expert Panel
Classification: Pathogenic for Nonsyndromic genetic hearing loss. Last evaluated: 2026-09-16. Review status: reviewed by expert panel. Criteria: Clingen Hl Acmg Specifications Cdh23 Coch Gjb2 Kcnq4 Myo6 Myo7a Slc26a4 Tecta Ush2a V2. Collection method: curation. Allele origin: germline. Inheritance: Autosomal dominant inheritance.
Comment: The NM_004086.3:c.263G>A variant in COCH is a missense variant predicted to cause substitution of Glycine to Glutamic acid at amino acid 88 (p.Gly88Glu). The highest population minor allele frequency in gnomAD v4.1.1 is 0.0006780% (8/1180018 alleles -European [non-Finnish], PM2_Supporting met). The computational predictor REVEL yields a score of 0.933 (PP3 met). The variant has been reported to segregate with progressive, late-onset HL and concomitant vestibular dysfunction in 16 affected family members from 4 families. (PP1_Strong, PS4_Supporting met; PMID: 9806553, 16151339, 25780252, 42195045). Vestibular-evoked potential, distortion product otoacoustic emission and auditory brainstem response measurements as well as histopathology in a knock-in mouse model showed dysfunctional vestibular function, progressive hearing loss, and middle ear granulocytic aggregation. Additionally, immunohistochemical staining showed that G88E protein expression inhibits co-localization with the extracellular matrix of HeLa cells while cell death analysis showed an increase in cytotoxicity in primary fibrocytes. Immunoprecipitation experiments indicated that G88E protein dimerizes with wild-type cochlin and forms agent-resistant oligomers. This was further confirmed by experiments in HEK293 cells showing reduced susceptibility of G88E-containing cochlin to aggrecanase cleavage. Overall, these studies indicate that this variant impacts protein function (PS3 met; PMID: 12843317, 12928864, 18697796, 20228067, 21073934, 25049087, 26256111, 35901072). In summary, based on the current evidence (PP1_Strong, PS3, PM2_Supporting, PP3 & PS4_Supporting), the variant NM_004086.3(COCH):c.263G>A(Gly88Glu) is classified as pathogenic for autosomal dominant non-syndromic SNHL based on the ACMG/AMP criteria applied, as specified by the ClinGen Hearing Loss VCEP (ClinGen Hearing Loss VCEP specifications version 2; 9/16/2026).

GeneDx
Classification: Pathogenic. Last evaluated: 2025-05-29. Review status: criteria provided, single submitter. Criteria: GeneDx Variant Classification Process June 2021. Collection method: clinical testing. Allele origin: germline. Affected: yes. Not counted in ClinVar's aggregate classification.
Comment: Published function studies indicate that this variant leads to failed protein integration into the extracellular matrix and causes dysfunctional vestibular function (PMID: 18697796, 12928864, 26256111); Not observed at significant frequency in large population cohorts (gnomAD); In silico analysis supports that this missense variant has a deleterious effect on protein structure/function; This variant is associated with the following publications: (PMID: 21073934, 20228067, 26256111, 25049087, 12928864, 25780252, 16151339, 33555744, 34735822, 34599366, 9806553, 18697796, 35204720, 39271588)

Labcorp Genetics (formerly Invitae), Labcorp
Classification: Uncertain significance. Last evaluated: 2024-05-20. Review status: criteria provided, single submitter. Criteria: Invitae Variant Classification Sherloc (09022015). Collection method: clinical testing. Allele origin: germline. Not counted in ClinVar's aggregate classification.
Comment: This sequence change replaces glycine, which is neutral and non-polar, with glutamic acid, which is acidic and polar, at codon 88 of the COCH protein (p.Gly88Glu). This variant is not present in population databases (gnomAD no frequency). This missense change has been observed in individual(s) with late-onset deafness (PMID: 9806553, 16151339, 17368553, 25780252). ClinVar contains an entry for this variant (Variation ID: 6609). An algorithm developed to predict the effect of missense changes on protein structure and function (PolyPhen-2) suggests that this variant is likely to be disruptive. Experimental studies have shown that this missense change affects COCH function (PMID: 18697796, 20228067, 21073934, 25049087, 26256111). In summary, the available evidence is currently insufficient to determine the role of this variant in disease. Therefore, it has been classified as a Variant of Uncertain Significance.

OMIM
Classification: Pathogenic for DEAFNESS, AUTOSOMAL DOMINANT 9. Last evaluated: 1998-11-01. Review status: no assertion criteria provided. Collection method: literature only. Allele origin: germline. Not counted in ClinVar's aggregate classification.

Literature cited by the submitters: PubMed 20228067 (cited by ClinGen Hearing Loss Variant Curation Expert Panel and Labcorp Genetics (formerly Invitae), Labcorp); PubMed 21073934 (cited by ClinGen Hearing Loss Variant Curation Expert Panel and Labcorp Genetics (formerly Invitae), Labcorp); PubMed 26256111 (cited by ClinGen Hearing Loss Variant Curation Expert Panel and Labcorp Genetics (formerly Invitae), Labcorp); PubMed 34735822 (cited by ClinGen Hearing Loss Variant Curation Expert Panel); PubMed 12928864 (cited by ClinGen Hearing Loss Variant Curation Expert Panel); PubMed 25049087 (cited by ClinGen Hearing Loss Variant Curation Expert Panel and Labcorp Genetics (formerly Invitae), Labcorp); PubMed 35901072 (cited by ClinGen Hearing Loss Variant Curation Expert Panel); PubMed 18697796 (cited by ClinGen Hearing Loss Variant Curation Expert Panel and Labcorp Genetics (formerly Invitae), Labcorp); PubMed 12843317 (cited by ClinGen Hearing Loss Variant Curation Expert Panel); PubMed 9806553 (cited by Labcorp Genetics (formerly Invitae), Labcorp and OMIM); PubMed 16151339 (cited by Labcorp Genetics (formerly Invitae), Labcorp); PubMed 17368553 (cited by Labcorp Genetics (formerly Invitae), Labcorp); PubMed 25780252 (cited by Labcorp Genetics (formerly Invitae), Labcorp).

NM_004086.3(COCH):c.263G>A (p.Gly88Glu)

Genes: COCH (cochlin; plus strand), COCH-AS1 (COCH antisense RNA 1; minus strand). Cytogenetic location: 14q12.
Variant type: single nucleotide variant.
Coding change: c.263G>A on transcript NM_004086.3 (MANE Select); coding-DNA position 263, G replaced by A.
Protein change: p.Gly88Glu; replaces glycine 88 with glutamic acid.
Molecular consequence: missense variant.
Genome position (GRCh38, 1-based): chr14:30,878,834, G>A. VCF-style: chr14-30878834-G-A. GRCh37 (hg19) VCF-style: chr14-31348040-G-A.
Other names: NM_004086.2(COCH):c.263G>A; c.263G>A, p.Gly88Glu (NM_001135058.2); c.458G>A, p.Gly153Glu (NM_001347720.2); c.263G>A (NM_004086.2); short protein forms G88E, G153E.
Identifiers: ClinVar variation 6609 (VCV000006609.6), dbSNP rs121908928, ClinGen allele CA253885.